The following is an entry in ClinVar:

NM_003924.4(PHOX2B):c.654C>T (p.Pro218=)

Gene: PHOX2B (paired like homeobox 2B; minus strand). Cytogenetic location: 4p13.
Variant type: single nucleotide variant.
Coding change: c.654C>T on transcript NM_003924.4 (MANE Select); coding-DNA position 654, C replaced by T.
Protein change: p.Pro218=; no amino-acid change (proline 218 retained).
Molecular consequence: synonymous variant.
Genome position (GRCh38, 1-based): chr4:41,746,098, G>A on the plus strand (C>T on the coding strand, the complement: PHOX2B is on the minus strand). VCF-style: chr4-41746098-G-A. GRCh37 (hg19) VCF-style: chr4-41748115-G-A.
Identifiers: ClinVar variation 1096509 (VCV001096509.12), dbSNP rs770437869, ClinGen allele CA439142967.

ClinVar aggregate classification (germline): Conflicting classifications of pathogenicity. Review status: criteria provided, conflicting classifications (1 of 4 stars). 3 submissions from 3 submitters: Uncertain significance (1); Likely benign (2). Last evaluated 2023-12-12.

Conditions:
Hereditary cancer-predisposing syndrome. Also called: Tumor predisposition; Hereditary neoplastic syndrome; Hereditary Cancer Syndrome; Neoplastic Syndromes, Hereditary. Identifiers: Orphanet 140162, MedGen C0027672, MeSH D009386, MONDO:0015356.
Haddad syndrome (OHD). Also called: Ondine-Hirschsprung disease. Identifiers: Orphanet 99803, MedGen C1859049, MONDO:0020493.

Submissions (3):

GeneDx
Classification: Uncertain significance. Last evaluated: 2023-12-12. Review status: criteria provided, single submitter. Criteria: GeneDx Variant Classification Process June 2021. Collection method: clinical testing. Allele origin: germline. Affected: yes.
Comment: Not observed at significant frequency in large population cohorts (gnomAD); In silico analysis supports that this variant does not alter splicing; Has not been previously published as pathogenic or benign to our knowledge

Labcorp Genetics (formerly Invitae), Labcorp
Classification: Likely benign for Haddad syndrome. Last evaluated: 2023-09-22. Review status: criteria provided, single submitter. Criteria: Invitae Variant Classification Sherloc (09022015). Collection method: clinical testing. Allele origin: germline.

Ambry Genetics
Classification: Likely benign for Hereditary cancer-predisposing syndrome. Last evaluated: 2021-04-01. Review status: criteria provided, single submitter. Criteria: Ambry Variant Classification Scheme 2023. Collection method: clinical testing. Allele origin: germline.